The following is an entry in ClinVar:

NM_016034.5(MRPS2):c.538C>T (p.Arg180Cys)

Genes: MRPS2 (mitochondrial ribosomal protein S2; plus strand), LOC101928525 (uncharacterized LOC101928525; minus strand). Cytogenetic location: 9q34.3.
Variant type: single nucleotide variant.
Coding change: c.538C>T on transcript NM_016034.5 (MANE Select); coding-DNA position 538, C replaced by T.
Protein change: p.Arg180Cys; replaces arginine 180 with cysteine.
Molecular consequence: missense variant. On other transcripts: non-coding transcript variant (4).
Genome position (GRCh38, 1-based): chr9:135,503,780, C>T. VCF-style: chr9-135503780-C-T. GRCh37 (hg19) VCF-style: chr9-138395626-C-T.
Other names: c.538C>T (NM_016034.3); c.538C>T, p.Arg180Cys (NM_001371401.1); short protein forms R180C.
Identifiers: ClinVar variation 1722796 (VCV001722796.8), dbSNP rs371330460, ClinGen allele CA5323973.

ClinVar aggregate classification (germline): Uncertain significance. Review status: criteria provided, multiple submitters, no conflicts (2 of 4 stars). 3 submissions from 3 submitters: Uncertain significance (3). Last evaluated 2026-01-20.

Allele frequency attached by ClinVar (database versions not stated): gnomAD exomes 0.00002; gnomAD 0.00003; TOPMed 0.00003; ExAC 0.00004; ESP Exome Variant Server 0.00008.
gnomAD v4.1: 40 of 1,612,790 alleles (0.0025%); highest among the groups gnomAD compares: East Asian, 0.018%; 1 homozygote.

Submissions (3):

GeneDx
Classification: Uncertain significance. Last evaluated: 2026-01-20. Review status: criteria provided, single submitter. Criteria: GeneDx Variant Classification Process June 2021. Collection method: clinical testing. Allele origin: germline. Affected: yes.
Comment: In silico analysis suggests that this missense variant does not alter protein structure/function; Has not been previously published as pathogenic or benign to our knowledge

Ambry Genetics
Classification: Uncertain significance. Last evaluated: 2024-01-03. Review status: criteria provided, single submitter. Criteria: Ambry Variant Classification Scheme 2023. Collection method: clinical testing. Allele origin: germline.

Labcorp Genetics (formerly Invitae), Labcorp
Classification: Uncertain significance. Last evaluated: 2023-09-19. Review status: criteria provided, single submitter. Criteria: Invitae Variant Classification Sherloc (09022015). Collection method: clinical testing. Allele origin: germline.
Comment: In summary, the available evidence is currently insufficient to determine the role of this variant in disease. Therefore, it has been classified as a Variant of Uncertain Significance. Advanced modeling of protein sequence and biophysical properties (such as structural, functional, and spatial information, amino acid conservation, physicochemical variation, residue mobility, and thermodynamic stability) performed at Invitae indicates that this missense variant is not expected to disrupt MRPS2 protein function. ClinVar contains an entry for this variant (Variation ID: 1722796). This variant has not been reported in the literature in individuals affected with MRPS2-related conditions. This variant is present in population databases (rs371330460, gnomAD 0.01%). This sequence change replaces arginine, which is basic and polar, with cysteine, which is neutral and slightly polar, at codon 180 of the MRPS2 protein (p.Arg180Cys).